The following is an entry in ClinVar:

ClinVar aggregate classification (germline): Pathogenic/Likely pathogenic. Review status: criteria provided, multiple submitters, no conflicts (2 of 4 stars). 3 submissions from 3 submitters: Pathogenic (1); Likely pathogenic (2). Last evaluated 2024-06-07.

Conditions:
IDS-related disorder. Also called: IDS-related condition.
Mucopolysaccharidosis, MPS-II (MPS2). Also called: Hunter Syndrome; IDURONATE 2-SULFATASE DEFICIENCY; Mucopolysaccharidosis Type II; Mucopolysaccharidosis with skin involvement; IDS deficiency; Sulfoiduronate sulfatase deficiency. Identifiers: Orphanet 580, Orphanet 79388, MedGen C0026705, MONDO:0010674, OMIM 309900.

Submissions (3):

Laboratory of Diagnosis and Therapy of Lysosomal Disorders, University of Padova
Classification: Pathogenic for Mucopolysaccharidosis, MPS-II. Last evaluated: 2024-06-07. Review status: criteria provided, single submitter. Criteria: ACMG Guidelines, 2015. Collection method: literature only. Allele origin: germline. Affected: yes. Observed: 4 variant alleles.
Comment: De novo (PS2_Moderate), Absent from controls (or at low frequency) in gnomAD database (PM2_Moderate), Missense variant in a gene with a low rate of benign missense variation (PP2_Supporting), Multiple lines of computational evidence support a deleterious effect (PP3_Supporting), Patient’s phenotype or family history highly specific for the disease (PP4_Strong)

Classification method: ACMG Guidelines [PMID:25741868] with modifications

PreventionGenetics, part of Exact Sciences
Classification: Likely pathogenic for IDS-related condition. Last evaluated: 2023-06-16. Review status: criteria provided, single submitter. Criteria: ACMG Guidelines, 2015. Collection method: clinical testing. Allele origin: germline.
Comment: The IDS c.353C>T variant is predicted to result in the amino acid substitution p.Thr118Ile. This variant was reported in an individual with Mucopolysaccharidosis II, severe phenotype (Froissart et al. 1998. PubMed ID: 9660053) and in another individual with Mucopolysaccharidosis II, mild phenotype (Villani et al. 2000. PubMed ID: 10838181). In vitro expression studies in COS7 cells show that this variant results in significantly decreased enzymatic activity, 6.7% of wild type (Villani et al. 2000. PubMed ID: 10838181). This variant has not been reported in a large population database, indicating this variant is rare. This variant is interpreted as likely pathogenic.

Revvity Omics, Revvity
Classification: Likely pathogenic for Mucopolysaccharidosis, MPS-II. Last evaluated: 2022-03-17. Review status: criteria provided, single submitter. Criteria: ACMG Guidelines, 2015. Collection method: clinical testing. Allele origin: germline.

Literature cited by the submitters: PubMed 10215411 (cited by Laboratory of Diagnosis and Therapy of Lysosomal Disorders, University of Padova); PubMed 11462244 (cited by Laboratory of Diagnosis and Therapy of Lysosomal Disorders, University of Padova); PubMed 9660053 (cited by Laboratory of Diagnosis and Therapy of Lysosomal Disorders, University of Padova); PubMed 33960103 (cited by Laboratory of Diagnosis and Therapy of Lysosomal Disorders, University of Padova).

NM_000202.8(IDS):c.353C>T (p.Thr118Ile)

Gene: IDS (iduronate 2-sulfatase; minus strand). Cytogenetic location: Xq28.
Variant type: single nucleotide variant.
Coding change: c.353C>T on transcript NM_000202.8 (MANE Select); coding-DNA position 353, C replaced by T.
Protein change: p.Thr118Ile; replaces threonine 118 with isoleucine.
Molecular consequence: missense variant. On other transcripts: non-coding transcript variant (1).
Genome position (GRCh38, 1-based): chrX:149,503,377, G>A on the plus strand (C>T on the coding strand, the complement: IDS is on the minus strand). VCF-style: chrX-149503377-G-A. GRCh37 (hg19) VCF-style: chrX-148584907-G-A.
Other names: c.353C>T (NM_000202.7); c.83C>T, p.Thr28Ile (NM_001166550.4); c.353C>T, p.Thr118Ile (NM_006123.5); short protein forms T118I, T28I.
Identifiers: ClinVar variation 2440848 (VCV002440848.6), dbSNP rs2520895871, ClinGen allele CA414526087.